The following is an entry in ClinVar:

NM_005629.4(SLC6A8):c.107G>T (p.Gly36Val)

Gene: SLC6A8 (solute carrier family 6 member 8; plus strand). Cytogenetic location: Xq28.
Variant type: single nucleotide variant.
Coding change: c.107G>T on transcript NM_005629.4 (MANE Select); coding-DNA position 107, G replaced by T.
Protein change: p.Gly36Val; replaces glycine 36 with valine.
Molecular consequence: missense variant.
Genome position (GRCh38, 1-based): chrX:153,688,681, G>T. VCF-style: chrX-153688681-G-T. GRCh37 (hg19) VCF-style: chrX-152954136-G-T.
Other names: c.107G>T, p.Gly36Val (NM_001142805.2); short protein forms G36V.
Identifiers: ClinVar variation 972196 (VCV000972196.10), dbSNP rs1557043804, ClinGen allele CA415076285.

ClinVar aggregate classification (germline): Uncertain significance. Review status: criteria provided, multiple submitters, no conflicts (2 of 4 stars). 3 submissions from 3 submitters: Uncertain significance (2). 1 of the submissions does not count toward it. Last evaluated 2025-11-13.

Conditions:
Creatine transporter deficiency (CCDS1). Also called: Creatine Transporter (CRTR) Deficiency; Mental retardation , X-linked with seizures, short stature and midface hypoplasia; Mental retardation , X-linked, with creatine transport deficiency; X-linked creatine transporter deficiency; X-linked creatine deficiency syndrome; SLC6A8-Related Creatine Transporter Deficiency. Identifiers: Orphanet 52503, MedGen C1845862, MONDO:0010305, OMIM 300352.
Creatine deficiency syndrome 1.

Allele frequency attached by ClinVar (database versions not stated): TOPMed below 0.00001.

Submissions (3):

Women's Health and Genetics/Laboratory Corporation of America, LabCorp
Classification: Uncertain significance. Last evaluated: 2025-11-13. Review status: criteria provided, single submitter. Criteria: LabCorp Variant Classification Summary - May 2015. Collection method: clinical testing. Allele origin: germline.
Comment: Variant summary: SLC6A8 c.107G>T (p.Gly36Val) results in a non-conservative amino acid change in the encoded protein sequence. Algorithms developed to predict the effect of missense changes on protein structure and function are either unavailable or do not agree on the potential impact of this missense change. The frequency data for this variant in gnomAD is considered unreliable, as metrics indicate poor data quality at this position. c.107G>T has been observed at a hemizygous state in an individual affected with severe infantile epileptic encephalopathy, and the clinical information of the carrier mother was not provided (Wei_2018). These data do not allow any conclusion about variant significance. To our knowledge, no experimental evidence demonstrating an impact on protein function has been reported. The following publication has been ascertained in the context of this evaluation (PMID: 29429461). ClinVar contains an entry for this variant (Variation ID: 972196). Based on the evidence outlined above, the variant was classified as uncertain significance.

Labcorp Genetics (formerly Invitae), Labcorp
Classification: Uncertain significance for Creatine transporter deficiency. Last evaluated: 2023-10-29. Review status: criteria provided, single submitter. Criteria: Invitae Variant Classification Sherloc (09022015). Collection method: clinical testing. Allele origin: germline.
Comment: This sequence change replaces glycine, which is neutral and non-polar, with valine, which is neutral and non-polar, at codon 36 of the SLC6A8 protein (p.Gly36Val). This variant is not present in population databases (gnomAD no frequency). This missense change has been observed in individual(s) with seizures and developmental delay (PMID: 29429461). ClinVar contains an entry for this variant (Variation ID: 972196). Advanced modeling of protein sequence and biophysical properties (such as structural, functional, and spatial information, amino acid conservation, physicochemical variation, residue mobility, and thermodynamic stability) performed at Invitae indicates that this missense variant is not expected to disrupt SLC6A8 protein function with a negative predictive value of 95%. In summary, the available evidence is currently insufficient to determine the role of this variant in disease. Therefore, it has been classified as a Variant of Uncertain Significance.

Natera, Inc.
Classification: Uncertain significance for Creatine deficiency syndrome 1. Last evaluated: 2021-02-19. Review status: no assertion criteria provided. Collection method: clinical testing. Allele origin: germline. Not counted in ClinVar's aggregate classification.

Literature cited by the submitters: PubMed 29429461 (cited by Women's Health and Genetics/Laboratory Corporation of America, LabCorp and Labcorp Genetics (formerly Invitae), Labcorp).